The following is an entry in ClinVar:

ClinVar aggregate classification (germline): Uncertain significance (1 of 4 stars; one submission).

Submission:

Ambry Genetics
Classification: Uncertain significance. Last evaluated: 2025-05-24. Review status: criteria provided, single submitter. Criteria: Ambry Variant Classification Scheme 2023. Collection method: clinical testing. Allele origin: germline.
Comment: The p.P223H variant (also known as c.668C>A), located in coding exon 1 of the CDK12 gene, results from a C to A substitution at nucleotide position 668. The proline at codon 223 is replaced by histidine, an amino acid with similar properties. This amino acid position is conserved. In addition, this alteration is predicted to be tolerated by in silico analysis. Based on the available evidence, the clinical significance of this variant remains unclear.

NM_016507.4(CDK12):c.668C>A (p.Pro223His)

Genes: CDK12 (cyclin dependent kinase 12; plus strand), LOC126862553 (CDK7 strongly-dependent group 2 enhancer GRCh37_chr17:37618166-37619365; plus strand). Cytogenetic location: 17q12.
Variant type: single nucleotide variant.
Coding change: c.668C>A on transcript NM_016507.4 (MANE Select); coding-DNA position 668, C replaced by A.
Protein change: p.Pro223His; replaces proline 223 with histidine.
Molecular consequence: missense variant.
Genome position (GRCh38, 1-based): chr17:39,462,739, C>A. VCF-style: chr17-39462739-C-A. GRCh37 (hg19) VCF-style: chr17-37618992-C-A.
Other names: c.668C>A, p.Pro223His (NM_015083.4); short protein forms P223H.
Identifiers: ClinVar variation 3999490 (VCV003999490.1).
Genomic context (GRCh38, chr17:39,462,739, plus strand): 5'-AAAGGGAAACACCCAAAAGTTACAAAACAGTGGACAGCCCAAAACGGAGATCCAGGAGCC[C>A]CCACAGGAAGTGGTCTGACAGCTCCAAACAAGATGATAGCCCCTCGGGAGCTTCTTATGG-3'
Protein context (NP_057591.2, residues 213-233): VDSPKRRSRS[Pro223His]HRKWSDSSKQ